The following is an entry in ClinVar:

NM_001370259.2(MEN1):c.445+7G>A

Gene: MEN1 (menin 1; minus strand). Cytogenetic location: 11q13.1.
Variant type: single nucleotide variant.
Coding change: c.445+7G>A on transcript NM_001370259.2 (MANE Select); 7 bases into the intron after coding-DNA position 445, G replaced by A.
Molecular consequence: intron variant. On other transcripts: missense variant (8), non-coding transcript variant (2).
Genome position (GRCh38, 1-based): chr11:64,809,658, C>T on the plus strand (G>A on the coding strand, the complement: MEN1 is on the minus strand). VCF-style: chr11-64809658-C-T. GRCh37 (hg19) VCF-style: chr11-64577130-C-T.
Other names: c.452G>A, p.Ser151Asn (NM_000244.4, NM_001407145.1, NM_001407150.1 and 5 more transcripts); c.445+7G>A (NM_001407148.1, NM_130799.3, NM_001407144.1 and 12 more transcripts); short protein forms S151N.
Identifiers: ClinVar variation 3643359 (VCV003643359.3).
Genomic context (GRCh38, chr11:64,809,658, plus strand): 5'-TCTGTAAACCATGGAGGGTTTTGAAGAAGTGGGTCATGGATAAGATTCCCACCTACTGGG[C>T]TCCAACCTGTGATGAAGCTGAAGAGGGACTGGATGTGGGCCCGATCCTTGAAGTAGGAGC-3'

ClinVar aggregate classification (germline): Likely benign. Review status: criteria provided, multiple submitters, no conflicts (2 of 4 stars). 2 submissions from 2 submitters: Likely benign (2). Last evaluated 2024-11-01.

Conditions:
Multiple endocrine neoplasia, type 1 (MEN1). Also called: MEN I; WERMER SYNDROME; Endocrine adenomatosis multiple; MEN 1; MEA I. Identifiers: Orphanet 652, MedGen C0025267, MeSH D018761, MONDO:0007540, OMIM 131100.

Submissions (2):

Myriad Genetics, Inc.
Classification: Likely benign for Multiple endocrine neoplasia, type 1. Last evaluated: 2024-11-01. Review status: criteria provided, single submitter. Criteria: Myriad Autosomal Dominant, Autosomal Recessive and X-Linked Classification Criteria (2023). Collection method: clinical testing. Allele origin: unknown.
Comment: This variant is considered likely benign. This variant is intronic and is not expected to impact mRNA splicing.

Labcorp Genetics (formerly Invitae), Labcorp
Classification: Likely benign for Multiple endocrine neoplasia, type 1. Last evaluated: 2024-02-26. Review status: criteria provided, single submitter. Criteria: Invitae Variant Classification Sherloc (09022015). Collection method: clinical testing. Allele origin: germline.